The following is an entry in ClinVar:

NM_002890.3(RASA1):c.1371G>A (p.Lys457=)

Genes: CCNH (cyclin H; minus strand), RASA1 (RAS p21 protein activator 1; plus strand). Cytogenetic location: 5q14.3.
Variant type: single nucleotide variant.
Coding change: c.1371G>A on transcript NM_002890.3 (MANE Select); coding-DNA position 1371, G replaced by A.
Protein change: p.Lys457=; no amino-acid change (lysine 457 retained).
Molecular consequence: synonymous variant. On other transcripts: intron variant (1).
Genome position (GRCh38, 1-based): chr5:87,362,589, G>A. VCF-style: chr5-87362589-G-A. GRCh37 (hg19) VCF-style: chr5-86658406-G-A.
Other names: c.840G>A, p.Lys280= (NM_022650.3); c.933+32455C>T (NM_001364075.2).
Identifiers: ClinVar variation 354516 (VCV000354516.39), dbSNP rs140707293, ClinGen allele CA3335734.

ClinVar aggregate classification (germline): Benign/Likely benign. Review status: criteria provided, multiple submitters, no conflicts (2 of 4 stars). 9 submissions from 9 submitters: Benign (3); Likely benign (5). 1 of the submissions does not count toward it. Last evaluated 2026-02-02.

Conditions:
Capillary malformation-arteriovenous malformation syndrome. Also called: Capillary malformation-arteriovenous malformation. Identifiers: Orphanet 137667, MedGen C1842180, MONDO:0012016.
Cardiovascular phenotype. Identifiers: MedGen CN230736.
Capillary malformation-arteriovenous malformation 1 (CMAVM1). Identifiers: Orphanet 137667, Orphanet 693907, MedGen C4747394, MONDO:0020783, OMIM 608354.
RASA1-related disorder. Also called: RASA1-related condition.

Allele frequency attached by ClinVar (database versions not stated): 1000 Genomes Project 0.00100; TOPMed 0.00199; gnomAD 0.00208 and 0.00190; gnomAD exomes 0.00017 and 0.00045; 1000 Genomes Project 30x 0.00109; ESP Exome Variant Server 0.00177; ExAC 0.00060.
gnomAD v4.1: 545 of 1,596,990 alleles (0.034%); highest among the groups gnomAD compares: African/African-American, 0.66%; no homozygotes.

Submissions (9):

Labcorp Genetics (formerly Invitae), Labcorp
Classification: Benign for Capillary malformation-arteriovenous malformation syndrome. Last evaluated: 2026-02-02. Review status: criteria provided, single submitter. Criteria: Invitae Variant Classification Sherloc (09022015). Collection method: clinical testing. Allele origin: germline.

CeGaT Center for Human Genetics Tuebingen
Classification: Likely benign. Last evaluated: 2025-04-01. Review status: criteria provided, single submitter. Criteria: CeGaT Center For Human Genetics Tuebingen Variant Classification Criteria Version 2. Collection method: clinical testing. Allele origin: germline. Affected: yes. Observed: 1 variant allele.
Comment: RASA1: BP4, BP7

Blueprint Genetics
Classification: Likely benign. Last evaluated: 2024-11-25. Review status: criteria provided, single submitter. Criteria: ACMG Guidelines, 2015. Collection method: clinical testing. Allele origin: germline.

ARUP Laboratories, Molecular Genetics and Genomics, ARUP Laboratories
Classification: Benign. Last evaluated: 2024-06-26. Review status: criteria provided, single submitter. Criteria: ARUP Molecular Germline Variant Investigation Process 2024. Collection method: clinical testing. Allele origin: germline.

GeneDx
Classification: Likely benign. Last evaluated: 2020-11-25. Review status: criteria provided, single submitter. Criteria: GeneDx Variant Classification Process June 2021. Collection method: clinical testing. Allele origin: germline. Affected: yes.

Ambry Genetics
Classification: Likely benign for Cardiovascular phenotype. Last evaluated: 2018-07-26. Review status: criteria provided, single submitter. Criteria: Ambry Variant Classification Scheme 2023. Collection method: clinical testing. Allele origin: germline.

Illumina Laboratory Services, Illumina
Classification: Benign for Capillary malformation-arteriovenous malformation 1. Last evaluated: 2018-01-12. Review status: criteria provided, single submitter. Criteria: ICSL Variant Classification Criteria 13 December 2019. Collection method: clinical testing. Allele origin: germline.
Comment: This variant was observed in the ICSL laboratory as part of a predisposition screen in an ostensibly healthy population. It had not been previously curated by ICSL or reported in the Human Gene Mutation Database (HGMD: prior to June 1st, 2018), and was therefore a candidate for classification through an automated scoring system. Utilizing variant allele frequency, disease prevalence and penetrance estimates, and inheritance mode, an automated score was calculated to assess if this variant is too frequent to cause the disease. Based on the score and internal cut-off values, a variant classified as benign is not then subjected to further curation. The score for this variant resulted in a classification of benign for this disease.

Breakthrough Genomics
Classification: Likely benign. Review status: criteria provided, single submitter. Criteria: ACMG Guidelines, 2015. Collection method: not provided. Allele origin: germline. Inheritance: Autosomal dominant inheritance. Affected: yes.

PreventionGenetics, part of Exact Sciences
Classification: Likely benign for RASA1-related condition. Last evaluated: 2019-04-05. Review status: no assertion criteria provided. Collection method: clinical testing. Allele origin: germline. Not counted in ClinVar's aggregate classification.
Comment: This variant is classified as likely benign based on ACMG/AMP sequence variant interpretation guidelines (Richards et al. 2015 PMID: 25741868, with internal and published modifications).